The following is an entry in ClinVar:

ClinVar aggregate classification (germline): Uncertain significance (1 of 4 stars; one submission).

Conditions:
RYR1-related disorder. Also called: RYR1-related disorders; RYR1-related condition. Identifiers: MedGen CN239331.

gnomAD v4.1: 1 of 1,613,916 alleles (0.000062%); highest among the groups gnomAD compares: African/African-American, 0.0013%; no homozygotes.

Submission:

PreventionGenetics, part of Exact Sciences
Classification: Uncertain significance for RYR1-related condition. Last evaluated: 2025-08-19. Review status: criteria provided, single submitter. Criteria: ACMG Guidelines, 2015. Collection method: clinical testing. Allele origin: germline.
Comment: The RYR1 c.2684T>C variant is predicted to result in the amino acid substitution p.Val895Ala. To our knowledge, this variant has not been reported in the literature or in a large population database (gnomAD), indicating this variant is rare. At this time, the clinical significance of this variant is uncertain due to the absence of conclusive functional and genetic evidence.

NM_000540.3(RYR1):c.2684T>C (p.Val895Ala)

Gene: RYR1 (ryanodine receptor 1; plus strand). Cytogenetic location: 19q13.2.
Variant type: single nucleotide variant.
Coding change: c.2684T>C on transcript NM_000540.3 (MANE Select); coding-DNA position 2684, T replaced by C.
Protein change: p.Val895Ala; replaces valine 895 with alanine.
Molecular consequence: missense variant.
Genome position (GRCh38, 1-based): chr19:38,463,748, T>C. VCF-style: chr19-38463748-T-C. GRCh37 (hg19) VCF-style: chr19-38954388-T-C.
Other names: c.2684T>C, p.Val895Ala (NM_001042723.2); short protein forms V895A.
Identifiers: ClinVar variation 4997238 (VCV004997238.1).